The following is an entry in ClinVar:

NM_003227.4(TFR2):c.1941G>T (p.Gly647=)

Gene: TFR2 (transferrin receptor 2; minus strand). Cytogenetic location: 7q22.1.
Variant type: single nucleotide variant.
Coding change: c.1941G>T on transcript NM_003227.4 (MANE Select); coding-DNA position 1941, G replaced by T.
Protein change: p.Gly647=; no amino-acid change (glycine 647 retained).
Molecular consequence: synonymous variant.
Genome position (GRCh38, 1-based): chr7:100,627,318, C>A on the plus strand (G>T on the coding strand, the complement: TFR2 is on the minus strand). VCF-style: chr7-100627318-C-A. GRCh37 (hg19) VCF-style: chr7-100224941-C-A.
Other names: c.1428G>T, p.Gly476= (NM_001206855.3).
Identifiers: ClinVar variation 530400 (VCV000530400.23), dbSNP rs111760099, ClinGen allele CA4386238.
Genomic context (GRCh38, chr7:100,627,318, plus strand): 5'-TTGAACCTTGAGGTCCCCAGAGAACTCGTTGAGGTTCCCGATGTGCCTGAGGACGACGTC[C>A]CCGTAGCGGCCGAAGTCGAGGGGCAGCAGGCGATCGTGGCTGAGCCGGATGAGGAGCTGC-3'
Protein context (NP_003218.2, residues 637-657): RLLPLDFGRY[Gly647=]DVVLRHIGNL

ClinVar aggregate classification (germline): Benign/Likely benign. Review status: criteria provided, multiple submitters, no conflicts (2 of 4 stars). 5 submissions from 5 submitters: Benign (3); Likely benign (2). Last evaluated 2026-04-01.

Conditions:
Hemochromatosis type 3 (HFE3). Also called: Hereditary hemochromatosis type 3; TFR2-Related Hemochromatosis; HEMOCHROMATOSIS DUE TO DEFECT IN TRANSFERRIN RECEPTOR 2. Identifiers: Orphanet 225123, MedGen C1858664, MONDO:0011417, OMIM 604250.
Hereditary hemochromatosis (HFE). Identifiers: MedGen C0392514, MONDO:0006507. Disease mechanism: loss of function.

Allele frequency attached by ClinVar (database versions not stated): ExAC 0.00249; ESP Exome Variant Server 0.00344; TOPMed 0.00397; gnomAD 0.00417 and 0.00439; 1000 Genomes Project 0.00519; 1000 Genomes Project 30x 0.00562.
gnomAD v4.1: 2,431 of 1,550,162 alleles (0.16%); highest among the groups gnomAD compares: African/African-American, 1.3%; 6 homozygotes.

Submissions (6):

CeGaT Center for Human Genetics Tuebingen
Classification: Likely benign. Last evaluated: 2026-04-01. Review status: criteria provided, single submitter. Criteria: CeGaT Center For Human Genetics Tuebingen Variant Classification Criteria Version 2. Collection method: clinical testing. Allele origin: germline. Affected: yes. Observed: 3 variant alleles.
Comment: TFR2: BP4, BP7, BS1

Labcorp Genetics (formerly Invitae), Labcorp
Classification: Benign for Hereditary hemochromatosis. Last evaluated: 2026-02-03. Review status: criteria provided, single submitter. Criteria: Invitae Variant Classification Sherloc (09022015). Collection method: clinical testing. Allele origin: germline.

Blueprint Genetics
Classification: Likely benign. Last evaluated: 2024-10-03. Review status: criteria provided, single submitter. Criteria: ACMG Guidelines, 2015. Collection method: clinical testing. Allele origin: germline.

Illumina Laboratory Services, Illumina
Classification: Benign for Hemochromatosis type 3. Last evaluated: 2017-04-27. Review status: criteria provided, single submitter. Criteria: ICSL Variant Classification Criteria 13 December 2019. Collection method: clinical testing. Allele origin: germline.
Comment: This variant was observed as part of a predisposition screen in an ostensibly healthy population. A literature search was performed for the gene, cDNA change, and amino acid change (where applicable). No publications were found based on this search. Allele frequency data from public databases was too high to be consistent with this variant causing disease. Therefore, this variant is classified as benign.

Breakthrough Genomics
Classification: Benign. Review status: criteria provided, single submitter. Criteria: ACMG Guidelines, 2015. Collection method: not provided. Allele origin: germline. Inheritance: Autosomal recessive inheritance. Affected: yes.

Dr. Peter K. Rogan Lab, Western University
No classification provided (evidence only). Condition: Uterine corpus endometrial carcinoma. Review status: no classification provided. Collection method: in vitro. Allele origin: not applicable. Functional consequence: retained intron. Not counted in ClinVar's aggregate classification.